The following is an entry in ClinVar:

NM_207037.2(TCF12):c.1261-3C>G

Gene: TCF12 (transcription factor 12; plus strand). Cytogenetic location: 15q21.3.
Variant type: single nucleotide variant.
Coding change: c.1261-3C>G on transcript NM_207037.2 (MANE Select); 3 bases into the intron before coding-DNA position 1261, C replaced by G.
Molecular consequence: intron variant.
Genome position (GRCh38, 1-based): chr15:57,253,259, C>G. VCF-style: chr15-57253259-C-G. GRCh37 (hg19) VCF-style: chr15-57545457-C-G.
Other names: c.1261-3C>G (NM_001322151.2, NM_001322159.3, NM_001322152.2 and 2 more transcripts); c.1189-3C>G (NM_001322157.3, NM_003205.4, NM_207038.2 and 1 more transcripts); c.1087-3C>G (NM_001322156.2); c.1015-3C>G (NM_001322158.2); c.604-3C>G (NM_001322154.2); c.1261-6C>G (NM_001322161.2); c.1225-3C>G (NM_001322164.2); c.751-3C>G (NM_001306219.3); and 2 more.
Identifiers: ClinVar variation 1064628 (VCV001064628.3), dbSNP rs2152019791, ClinGen allele CA2499223031.

ClinVar aggregate classification (germline): Pathogenic (1 of 4 stars; one submission).

Conditions:
TCF12-related craniosynostosis. Also called: Craniosynostosis 3. Identifiers: Orphanet 35098, Orphanet 35099, Orphanet 672979, MedGen C3715051, MONDO:0014128, OMIM 615314.

Submission:

Kids Neuroscience Centre, Sydney Children's Hospitals Network
Classification: Pathogenic for TCF12-related craniosynostosis. Review status: criteria provided, single submitter. Criteria: Bournazos AM et al. (Genet Med 2021). Collection method: clinical testing. Allele origin: de novo. Inheritance: Autosomal dominant inheritance. Affected: yes. Observed: 1 heterozygote.
Comment: Detected one abnormal splicing event: use of a cryptic 3' splice site (r.1260_1261ins[1261-2_1261-1]). This event causes a frameshift encoding 8 missense amino acids and a premature termination codon (p.Gln421Serfs*9). These transcripts are predicted to be targeted by nonsense-mediated decay (NMD). Any mis-spliced transcripts that escape NMD encode TCF12 protein lacking 286 amino acids from the C-terminus, including the Myc-type, basic helix-loop-helix domain.